The following is an entry in ClinVar:

NM_000059.4(BRCA2):c.5299_5307del (p.Lys1767_Asp1769del)

Gene: BRCA2 (BRCA2 DNA repair associated; plus strand). Cytogenetic location: 13q13.1.
Variant type: Deletion.
Coding change: c.5299_5307del on transcript NM_000059.4 (MANE Select); coding-DNA positions 5299 to 5307, 9 bases deleted (AAACTTGAT; older notation c.5299_5307delAAACTTGAT).
Protein change: p.Lys1767_Asp1769del.
Molecular consequence: inframe deletion.
Genome position (GRCh38, 1-based): chr13:32,339,654-32,339,662, AAACTTGAT deleted; deleting any 9 consecutive bases within chr13:32,339,652-32,339,662 gives the same sequence; the c. name uses the placement nearest the transcript's 3' end. VCF-style (leftmost placement, unchanged base first): chr13-32339651-AATAAACTTG-A. GRCh37 (hg19) VCF-style: chr13-32913788-AATAAACTTG-A.
Other names: KLD1767del; c.5299_5307delAAACTTGAT (NM_000059.3).
Identifiers: ClinVar variation 51839 (VCV000051839.16), dbSNP rs80359504, ClinGen allele CA021981.

ClinVar aggregate classification (germline): Uncertain significance. Review status: criteria provided, multiple submitters, no conflicts (2 of 4 stars). 4 submissions from 4 submitters: Uncertain significance (3). 1 of the submissions does not count toward it. Last evaluated 2025-12-08.

Conditions:
Hereditary breast ovarian cancer syndrome. Also called: Hereditary breast and ovarian cancer syndrome; Hereditary breast and ovarian cancer; Hereditary breast and ovarian cancer syndrome (HBOC); Breast and ovarian cancer; Hereditary breast and/or ovarian cancer syndrome; BRCA1- and BRCA2-Associated Hereditary Breast and Ovarian Cancer. Identifiers: Orphanet 145, MedGen C0677776, MeSH D061325, MONDO:0003582. Disease mechanism: loss of function.
Breast-ovarian cancer, familial, susceptibility to, 2 (BROVCA2). Also called: BRCA2 Hereditary Breast and Ovarian Cancer. Identifiers: Orphanet 145, MedGen C2675520, MONDO:0012933, OMIM 612555. Disease mechanism: loss of function.

Submissions (4):

Labcorp Genetics (formerly Invitae), Labcorp
Classification: Uncertain significance for Hereditary breast ovarian cancer syndrome. Last evaluated: 2025-12-08. Review status: criteria provided, single submitter. Criteria: Invitae Variant Classification Sherloc (09022015). Collection method: clinical testing. Allele origin: germline.
Comment: This variant, c.5299_5307del, results in the deletion of 3 amino acid(s) of the BRCA2 protein (p.Lys1767_Asp1769del), but otherwise preserves the integrity of the reading frame. This variant is present in population databases (rs80359504, gnomAD 0.003%). This variant has been observed in individual(s) with breast cancer (PMID: 12203997, 26187060, 26757417). This variant is also known as 5527del9. ClinVar contains an entry for this variant (Variation ID: 51839). Experimental studies and prediction algorithms are not available or were not evaluated, and the functional significance of this variant is currently unknown. In summary, the available evidence is currently insufficient to determine the role of this variant in disease. Therefore, it has been classified as a Variant of Uncertain Significance.

3billion
Classification: Uncertain significance for Breast-ovarian cancer, familial, susceptibility to, 2. Last evaluated: 2025-04-15. Review status: criteria provided, single submitter. Criteria: ACMG Guidelines, 2015. Collection method: clinical testing. Allele origin: germline. Affected: yes.

Women's Health and Genetics/Laboratory Corporation of America, LabCorp
Classification: Uncertain significance. Last evaluated: 2023-06-23. Review status: criteria provided, single submitter. Criteria: LabCorp Variant Classification Summary - May 2015. Collection method: clinical testing. Allele origin: germline.
Comment: Variant summary: BRCA2 c.5299_5307delAAACTTGAT (p.Lys1767_Asp1769del) results in an in-frame deletion that is predicted to remove 3 amino acids from the encoded protein, located in the BRCA2 repeat region (IPR002093), however it doesn't affect any of the repeats. The variant allele was found at a frequency of 4e-06 in 250364 control chromosomes (gnomAD v2.1). The available data on variant occurrences in the general population are insufficient to allow any conclusion about variant significance. c.5299_5307delAAACTTGAT has been reported in the literature in individuals affected with breast cancer (Patmasiriwat_2002, Ng_2016). These data indicate that the variant may be associated with disease. To our knowledge, no experimental evidence demonstrating an impact on protein function has been reported. The following publications have been ascertained in the context of this evaluation (PMID: 12203997, 26757417). Another submitter has cited clinical-significance assessments for this variant to ClinVar after 2014 and has classified the variant as uncertain significance. Based on the evidence outlined above, the variant was classified as uncertain significance

Breast Cancer Information Core (BIC) (BRCA2)
Classification: Uncertain significance for Breast-ovarian cancer, familial 2. Last evaluated: 2002-06-27. Review status: no assertion criteria provided. Collection method: clinical testing. Allele origin: germline. Affected: yes. Observed: 1 variant allele. Not counted in ClinVar's aggregate classification.

Literature cited by the submitters: PubMed 12203997 (cited by 3 submitters); PubMed 26187060 (cited by Labcorp Genetics (formerly Invitae), Labcorp); PubMed 26757417 (cited by Labcorp Genetics (formerly Invitae), Labcorp and Women's Health and Genetics/Laboratory Corporation of America, LabCorp).